The following is an entry in ClinVar:

ClinVar aggregate classification (germline): Pathogenic. Review status: criteria provided, multiple submitters, no conflicts (2 of 4 stars). 6 submissions from 5 submitters: Pathogenic (6). Last evaluated 2024-04-25.

Conditions:
CPLANE1-related disorders.
Joubert syndrome 17 (JBTS17). Identifiers: Orphanet 475, MedGen C3553264, MONDO:0013824, OMIM 614615.
Global developmental delay (DD). Also called: Cognitive delay. Identifiers: MedGen C0557874, HP:0001263. Disease mechanism: loss of function.
Jaundice. Identifiers: MedGen C0022346, HP:0000952.

Submissions (6):

Blueprint Genetics
Classification: Pathogenic for CPLANE1-related disorders. Last evaluated: 2024-04-25. Review status: criteria provided, single submitter. Criteria: ACMG Guidelines, 2015. Collection method: clinical testing. Allele origin: germline. Affected: yes. Observed: 3 variant alleles.

Laboratory of Medical Genetics, National & Kapodistrian University of Athens
Classification: Pathogenic for Joubert syndrome 17. Last evaluated: 2021-08-10. Review status: criteria provided, single submitter. Criteria: ACMG Guidelines, 2015. Collection method: clinical testing. Allele origin: unknown. Affected: yes.
Comment: PVS1, PM2, PP3, PP5

Centre for Mendelian Genomics, University Medical Centre Ljubljana
Classification: Pathogenic. Last evaluated: 2018-11-26. Review status: criteria provided, single submitter. Criteria: ACMG Guidelines, 2015. Collection method: clinical testing. Allele origin: unknown. Affected: yes.
Comment: This variant was classified as: Pathogenic. The following ACMG criteria were applied in classifying this variant: PVS1,PS1,PM2.

CeGaT Center for Human Genetics Tuebingen
Classification: Pathogenic. Last evaluated: 2018-06-01. Review status: criteria provided, single submitter. Criteria: CeGaT Center For Human Genetics Tuebingen Variant Classification Criteria Version 2. Collection method: clinical testing. Allele origin: germline. Affected: yes. Observed: 3 variant alleles.

UW Hindbrain Malformation Research Program, University of Washington
Classification: Pathogenic for Joubert syndrome 17. Last evaluated: 2015-02-23. Review status: criteria provided, single submitter. Criteria: Bachmann-Gagescu et al. (J Med Genet. 2015). Collection method: research. Allele origin: unknown. Affected: yes.

Centre for Mendelian Genomics, University Medical Centre Ljubljana
Classification: Pathogenic for Global developmental delay; Jaundice. Last evaluated: 2013-11-28. Review status: criteria provided, single submitter. Criteria: ACMG Guidelines, 2015. Collection method: clinical testing. Allele origin: unknown. Affected: yes.

Literature cited by the submitters: PubMed 34008892 (cited by Laboratory of Medical Genetics, National & Kapodistrian University of Athens).

NM_001384732.1(CPLANE1):c.8425dup (p.Thr2809fs)

Gene: CPLANE1 (ciliogenesis and planar polarity effector complex subunit 1; minus strand). Cytogenetic location: 5p13.2.
Variant type: Duplication.
Coding change: c.8425dup on transcript NM_001384732.1 (MANE Select); coding-DNA position 8425, one base duplicated (A; older notation c.8425dupA).
Protein change: p.Thr2809fs; shifts the reading frame from threonine 2809.
Molecular consequence: frameshift variant.
Genome position (GRCh38, 1-based): chr5:37,148,217, T duplicated on the plus strand (A on the coding strand, the reverse complement: CPLANE1 is on the minus strand); the first of 7 consecutive T bases (chr5:37,148,217-37,148,223); duplicating any one gives the same sequence. VCF-style (leftmost placement, unchanged base first): chr5-37148216-G-GT. GRCh37 (hg19) VCF-style: chr5-37148318-G-GT.
Other names: c.8263dupA (NM_023073.3); c.8263dup, p.Thr2755fs (NM_023073.4); short protein forms T2755fs, T2809fs.
Identifiers: ClinVar variation 217570 (VCV000217570.47), dbSNP rs775263897, ClinGen allele CA277794.